The following is an entry in ClinVar:

NM_001364857.2(ADGRB2):c.760G>A (p.Gly254Arg)

Gene: ADGRB2 (adhesion G protein-coupled receptor B2; minus strand). Cytogenetic location: 1p35.2.
Variant type: single nucleotide variant.
Coding change: c.760G>A on transcript NM_001364857.2 (MANE Select); coding-DNA position 760, G replaced by A.
Protein change: p.Gly254Arg; replaces glycine 254 with arginine.
Molecular consequence: missense variant.
Genome position (GRCh38, 1-based): chr1:31,756,077, C>T on the plus strand (G>A on the coding strand, the complement: ADGRB2 is on the minus strand). VCF-style: chr1-31756077-C-T. GRCh37 (hg19) VCF-style: chr1-32221678-C-T.
Other names: c.760G>A, p.Gly254Arg (NM_001294335.2, NM_001294336.2); short protein forms G254R.
Identifiers: ClinVar variation 4699096 (VCV004699096.1).
Genomic context (GRCh38, chr1:31,756,077, plus strand): 5'-TGAACAGATCATTGCTGCTCCCCGAGTGCAAATCGGCCTCAGCAGGTGGGGCTGGGCCCC[C>T]GGGCACCAGGGCATTGGACAGGGTGTGGGCAGCAGGAGGGCCTGGAGATGTGGTGGTGGT-3'
Protein context (NP_001351786.1, residues 244-264): AHTLSNALVP[Gly254Arg]GPAPPAEADL

ClinVar aggregate classification (germline): Uncertain significance (1 of 4 stars; one submission).

gnomAD v4.1: 86 of 1,614,012 alleles (0.0053%); highest among the groups gnomAD compares: Non-Finnish European, 0.0038%; no homozygotes.

Submission:

Labcorp Genetics (formerly Invitae), Labcorp
Classification: Uncertain significance. Last evaluated: 2025-07-08. Review status: criteria provided, single submitter. Criteria: Invitae Variant Classification Sherloc (09022015). Collection method: clinical testing. Allele origin: germline.
Comment: This sequence change replaces glycine, which is neutral and non-polar, with arginine, which is basic and polar, at codon 254 of the ADGRB2 protein (p.Gly254Arg). This variant is present in population databases (rs767662751, gnomAD 0.05%). This variant has not been reported in the literature in individuals affected with ADGRB2-related conditions. An algorithm developed to predict the effect of missense changes on protein structure and function outputs the following: PolyPhen-2: "Benign". The arginine amino acid residue is found in multiple mammalian species, which suggests that this missense change does not adversely affect protein function. In summary, the available evidence is currently insufficient to determine the role of this variant in disease. Therefore, it has been classified as a Variant of Uncertain Significance.